The following is an entry in ClinVar:

NM_000245.4(MET):c.1937C>T (p.Thr646Ile)

Gene: MET (MET proto-oncogene, receptor tyrosine kinase; plus strand). Cytogenetic location: 7q31.2.
Variant type: single nucleotide variant.
Coding change: c.1937C>T on transcript NM_000245.4 (MANE Select); coding-DNA position 1937, C replaced by T.
Protein change: p.Thr646Ile; replaces threonine 646 with isoleucine.
Molecular consequence: missense variant.
Genome position (GRCh38, 1-based): chr7:116,757,511, C>T. VCF-style: chr7-116757511-C-T. GRCh37 (hg19) VCF-style: chr7-116397565-C-T.
Other names: c.1937C>T (NM_001127500.1); c.1937C>T, p.Thr646Ile (NM_001127500.3, NM_001324401.3); c.647C>T, p.Thr216Ile (NM_001324402.2); short protein forms T216I, T646I.
Identifiers: ClinVar variation 1513797 (VCV001513797.7), dbSNP rs751307227, ClinGen allele CA368979450.

ClinVar aggregate classification (germline): Uncertain significance. Review status: criteria provided, multiple submitters, no conflicts (2 of 4 stars). 2 submissions from 2 submitters: Uncertain significance (2). Last evaluated 2024-06-13.

Conditions:
Hereditary cancer-predisposing syndrome. Also called: Tumor predisposition; Neoplastic Syndromes, Hereditary; Hereditary neoplastic syndrome; Hereditary Cancer Syndrome. Identifiers: Orphanet 140162, MedGen C0027672, MeSH D009386, MONDO:0015356.
Renal cell carcinoma. Identifiers: Orphanet 217071, MedGen C0007134, MeSH D002292, MONDO:0005086, HP:0005584.

Submissions (2):

Ambry Genetics
Classification: Uncertain significance for Hereditary cancer-predisposing syndrome. Last evaluated: 2024-06-13. Review status: criteria provided, single submitter. Criteria: Ambry Variant Classification Scheme 2023. Collection method: clinical testing. Allele origin: germline.
Comment: The p.T646I variant (also known as c.1937C>T), located in coding exon 6 of the MET gene, results from a C to T substitution at nucleotide position 1937. The threonine at codon 646 is replaced by isoleucine, an amino acid with similar properties. This amino acid position is not well conserved in available vertebrate species. In addition, this alteration is predicted to be tolerated by in silico analysis. Based on the available evidence, the clinical significance of this variant remains unclear.

Labcorp Genetics (formerly Invitae), Labcorp
Classification: Uncertain significance for Renal cell carcinoma. Last evaluated: 2022-09-30. Review status: criteria provided, single submitter. Criteria: Invitae Variant Classification Sherloc (09022015). Collection method: clinical testing. Allele origin: germline.
Comment: In summary, the available evidence is currently insufficient to determine the role of this variant in disease. Therefore, it has been classified as a Variant of Uncertain Significance. Advanced modeling of protein sequence and biophysical properties (such as structural, functional, and spatial information, amino acid conservation, physicochemical variation, residue mobility, and thermodynamic stability) performed at Invitae indicates that this missense variant is not expected to disrupt MET protein function. ClinVar contains an entry for this variant (Variation ID: 1513797). This variant has not been reported in the literature in individuals affected with MET-related conditions. This variant is not present in population databases (gnomAD no frequency). This sequence change replaces threonine, which is neutral and polar, with isoleucine, which is neutral and non-polar, at codon 646 of the MET protein (p.Thr646Ile).